The following is an entry in ClinVar:

NM_005475.3(SH2B3):c.1031C>A (p.Pro344His)

Gene: SH2B3 (SH2B adaptor protein 3; plus strand). Cytogenetic location: 12q24.12.
Variant type: single nucleotide variant.
Coding change: c.1031C>A on transcript NM_005475.3 (MANE Select); coding-DNA position 1031, C replaced by A.
Protein change: p.Pro344His; replaces proline 344 with histidine.
Molecular consequence: missense variant.
Genome position (GRCh38, 1-based): chr12:111,447,339, C>A. VCF-style: chr12-111447339-C-A. GRCh37 (hg19) VCF-style: chr12-111885143-C-A.
Other names: c.425C>A, p.Pro142His (NM_001291424.1); short protein forms P142H, P344H.
Identifiers: ClinVar variation 3953476 (VCV003953476.1).

ClinVar aggregate classification (germline): Uncertain significance (1 of 4 stars; one submission).

Conditions:
Inborn genetic diseases. Identifiers: MedGen C0950123, MeSH D030342.

Submission:

Ambry Genetics
Classification: Uncertain significance for Inborn genetic diseases. Last evaluated: 2025-04-28. Review status: criteria provided, single submitter. Criteria: Ambry Variant Classification Scheme 2023. Collection method: clinical testing. Allele origin: germline.
Comment: The p.P344H variant (also known as c.1031C>A), located in coding exon 5 of the SH2B3 gene, results from a C to A substitution at nucleotide position 1031. The proline at codon 344 is replaced by histidine, an amino acid with similar properties. This amino acid position is conserved. In addition, this alteration is predicted to be tolerated by in silico analysis. Based on the available evidence, the clinical significance of this variant remains unclear.